The following is an entry in ClinVar:

NM_004722.4(AP4M1):c.58+3A>G

Gene: AP4M1 (adaptor related protein complex 4 subunit mu 1; plus strand). Cytogenetic location: 7q22.1.
Variant type: single nucleotide variant.
Coding change: c.58+3A>G on transcript NM_004722.4 (MANE Select); 3 bases into the intron after coding-DNA position 58, A replaced by G.
Molecular consequence: intron variant.
Genome position (GRCh38, 1-based): chr7:100,101,775, A>G. VCF-style: chr7-100101775-A-G. GRCh37 (hg19) VCF-style: chr7-99699398-A-G.
Other names: c.58+3A>G (NM_001363671.2).
Identifiers: ClinVar variation 1335679 (VCV001335679.35), dbSNP rs2116614199, ClinGen allele CA2573052761.

ClinVar aggregate classification (germline): Likely pathogenic (1 of 4 stars; one submission).

Allele frequency attached by ClinVar (database versions not stated): gnomAD exomes 0.00001.
gnomAD v4.1: 13 of 1,593,874 alleles (0.00082%); highest among the groups gnomAD compares: Non-Finnish European, 0.00086%; no homozygotes.

Submission:

CeGaT Center for Human Genetics Tuebingen
Classification: Likely pathogenic. Last evaluated: 2026-09-01. Review status: criteria provided, single submitter. Criteria: CeGaT Center For Human Genetics Tuebingen Variant Classification Criteria Version 2. Collection method: clinical testing. Allele origin: germline. Affected: yes. Observed: 2 variant alleles.
Comment: AP4M1: PM2, PM3, PP3, PS3:Supporting